The following is an entry in ClinVar:

NM_021098.3(CACNA1H):c.1847_1862del (p.Ile616fs)

Gene: CACNA1H (calcium voltage-gated channel subunit alpha1 H; plus strand). Cytogenetic location: 16p13.3.
Variant type: Deletion.
Coding change: c.1847_1862del on transcript NM_021098.3 (MANE Select); coding-DNA positions 1847 to 1862, 16 bases deleted (TCCTGCCCTCAGGGGT).
Protein change: p.Ile616fs; shifts the reading frame from isoleucine 616.
Molecular consequence: frameshift variant.
Genome position (GRCh38, 1-based): chr16:1,202,297-1,202,312, TCCTGCCCTCAGGGGT deleted. VCF-style (leftmost placement, unchanged base first): chr16-1202296-ATCCTGCCCTCAGGGGT-A. GRCh37 (hg19) VCF-style: chr16-1252296-ATCCTGCCCTCAGGGGT-A.
Other names: c.1847_1862del, p.Ile616fs (NM_001005407.2); short protein forms I616fs.
Identifiers: ClinVar variation 2943075 (VCV002943075.3), dbSNP rs2548646524, ClinGen allele CA2740096804.

ClinVar aggregate classification (germline): Uncertain significance (1 of 4 stars; one submission).

Conditions:
Hyperaldosteronism, familial, type IV (HALD4). Also called: FH IV; ALDOSTERONISM, PRIMARY, AND HYPERTENSION. Identifiers: Orphanet 642671, MedGen C4310756, MONDO:0014875, OMIM 617027.
Idiopathic generalized epilepsy. Also called: EIG; Generalised epilepsy. Identifiers: MedGen C0270850, MONDO:0005579, OMIM 600669.

Submission:

Labcorp Genetics (formerly Invitae), Labcorp
Classification: Uncertain significance for Idiopathic generalized epilepsy; Hyperaldosteronism, familial, type IV. Last evaluated: 2023-01-10. Review status: criteria provided, single submitter. Criteria: Invitae Variant Classification Sherloc (09022015). Collection method: clinical testing. Allele origin: germline.
Comment: In summary, the available evidence is currently insufficient to determine the role of this variant in disease. Therefore, it has been classified as a Variant of Uncertain Significance. This variant has not been reported in the literature in individuals affected with CACNA1H-related conditions. This variant is not present in population databases (gnomAD no frequency). This sequence change creates a premature translational stop signal (p.Ile616Argfs*29) in the CACNA1H gene. It is expected to result in an absent or disrupted protein product. However, the current clinical and genetic evidence is not sufficient to establish whether loss-of-function variants in CACNA1H cause disease.